The following is an entry in ClinVar:

NM_004456.5(EZH2):c.549T>A (p.Asp183Glu)

Gene: EZH2 (enhancer of zeste 2 polycomb repressive complex 2 subunit; minus strand). Cytogenetic location: 7q36.1.
Variant type: single nucleotide variant.
Coding change: c.549T>A on transcript NM_004456.5 (MANE Select); coding-DNA position 549, T replaced by A.
Protein change: p.Asp183Glu; replaces aspartic acid 183 with glutamic acid.
Molecular consequence: missense variant.
Genome position (GRCh38, 1-based): chr7:148,828,816, A>T on the plus strand (T>A on the coding strand, the complement: EZH2 is on the minus strand). VCF-style: chr7-148828816-A-T. GRCh37 (hg19) VCF-style: chr7-148525908-A-T.
Other names: c.549T>A, p.Asp183Glu (NM_001203247.2); c.522T>A, p.Asp174Glu (NM_001203248.2, NM_001203249.2); c.432T>A, p.Asp144Glu (NM_152998.3); short protein forms D183E, D144E, D174E.
Identifiers: ClinVar variation 2836162 (VCV002836162.3), dbSNP rs2537146396, ClinGen allele CA369720485.
Genomic context (GRCh38, chr7:148,828,816, plus strand): 5'-CAGATCTTTCTGCTTTTCTTCTCTTTCTTCAGGATCGTCTCCATCATCATCATCGTCATC[A>T]TCATTATATTGACCAAGGGCATTCACCAACTCCACAAAAATTTCATCATTTATAAACCCA-3'
Protein context (NP_004447.2, residues 173-193): ELVNALGQYN[Asp183Glu]DDDDDDGDDP

ClinVar aggregate classification (germline): Uncertain significance (1 of 4 stars; one submission).

Conditions:
Weaver syndrome (WVS). Also called: Weaver Smith syndrome; Overgrowth syndrome with accelerated skeletal maturation, unusual facies, and camptodactyly. Identifiers: Orphanet 3447, MedGen C0265210, MONDO:0010193, OMIM 277590.

Submission:

Labcorp Genetics (formerly Invitae), Labcorp
Classification: Uncertain significance for Weaver syndrome. Last evaluated: 2023-02-10. Review status: criteria provided, single submitter. Criteria: Invitae Variant Classification Sherloc (09022015). Collection method: clinical testing. Allele origin: germline.
Comment: Advanced modeling of protein sequence and biophysical properties (such as structural, functional, and spatial information, amino acid conservation, physicochemical variation, residue mobility, and thermodynamic stability) performed at Invitae indicates that this missense variant is not expected to disrupt EZH2 protein function. This sequence change replaces aspartic acid, which is acidic and polar, with glutamic acid, which is acidic and polar, at codon 183 of the EZH2 protein (p.Asp183Glu). This variant is not present in population databases (gnomAD no frequency). This variant has not been reported in the literature in individuals affected with EZH2-related conditions. In summary, the available evidence is currently insufficient to determine the role of this variant in disease. Therefore, it has been classified as a Variant of Uncertain Significance.